The following is an entry in ClinVar:

NM_015192.4(PLCB1):c.3449A>G (p.Tyr1150Cys)

Gene: PLCB1 (phospholipase C beta 1; plus strand). Cytogenetic location: 20p12.3.
Variant type: single nucleotide variant.
Coding change: c.3449A>G on transcript NM_015192.4 (MANE Select); coding-DNA position 3449, A replaced by G.
Protein change: p.Tyr1150Cys; replaces tyrosine 1150 with cysteine.
Molecular consequence: missense variant. On other transcripts: 3 prime UTR variant (1).
Genome position (GRCh38, 1-based): chr20:8,881,647, A>G. VCF-style: chr20-8881647-A-G. GRCh37 (hg19) VCF-style: chr20-8862294-A-G.
Other names: c.*45A>G (NM_182734.3); short protein forms Y1150C.
Identifiers: ClinVar variation 967528 (VCV000967528.1), dbSNP rs1265159999, ClinGen allele CA408262914.
Genomic context (GRCh38, chr20:8,881,647, plus strand): 5'-AACTTCAAGTCATCTCCCCTCTTGATGTCTCTCAGCTGCAGGTGGAGCTGGAGCAAGAAT[A>G]CCAAGACAAATTCAAAAGACTGCCCCTCGAGATTTTGGAATTCGTGCAGGAAGCCATGAA-3'
Protein context (NP_056007.1, residues 1140-1160): PKLQVELEQE[Tyr1150Cys]QDKFKRLPLE

ClinVar aggregate classification (germline): Uncertain significance (1 of 4 stars; one submission).

Conditions:
Developmental and epileptic encephalopathy, 12 (DEE12). Identifiers: MedGen C3150988, MONDO:0013389, OMIM 613722.

Allele frequency attached by ClinVar (database versions not stated): gnomAD exomes below 0.00001.
gnomAD v4.1: 4 of 1,614,096 alleles (0.00025%); highest among the groups gnomAD compares: Non-Finnish European, 0.00034%; no homozygotes.

Submission:

Labcorp Genetics (formerly Invitae), Labcorp
Classification: Uncertain significance for Early infantile epileptic encephalopathy 12. Last evaluated: 2019-10-03. Review status: criteria provided, single submitter. Criteria: Invitae Variant Classification Sherloc (09022015). Collection method: clinical testing. Allele origin: germline.
Comment: This sequence change replaces tyrosine with cysteine at codon 1150 of the PLCB1 protein (p.Tyr1150Cys). The tyrosine residue is moderately conserved and there is a large physicochemical difference between tyrosine and cysteine. This variant is not present in population databases (ExAC no frequency). This variant has not been reported in the literature in individuals with PLCB1-related conditions. Algorithms developed to predict the effect of missense changes on protein structure and function (SIFT, PolyPhen-2, Align-GVGD) all suggest that this variant is likely to be tolerated, but these predictions have not been confirmed by published functional studies and their clinical significance is uncertain. In summary, the available evidence is currently insufficient to determine the role of this variant in disease. Therefore, it has been classified as a Variant of Uncertain Significance.